The following is an entry in ClinVar:

ClinVar aggregate classification (germline): Uncertain significance (1 of 4 stars; one submission).

gnomAD v4.1: 1 of 1,614,220 alleles (0.000062%); highest among the groups gnomAD compares: African/African-American, 0.0013%; no homozygotes.

Submission:

Women's Health and Genetics/Laboratory Corporation of America, LabCorp
Classification: Uncertain significance. Last evaluated: 2025-09-05. Review status: criteria provided, single submitter. Criteria: LabCorp Variant Classification Summary - May 2015. Collection method: clinical testing. Allele origin: germline.
Comment: Variant summary: HFE c.814G>C (p.Val272Leu) results in a conservative amino acid change in the encoded protein sequence. Algorithms developed to predict the effect of missense changes on protein structure and function all suggest that this variant is likely to be tolerated. The variant was absent in 251438 control chromosomes. The available data on variant occurrences in the general population are insufficient to allow any conclusion about variant significance. c.814G>C has been observed in individual(s) affected with possible iron overload (Kingston_2007). These report(s) do not provide unequivocal conclusions about association of the variant with Hemochromatosis Type 1. To our knowledge, no experimental evidence demonstrating an impact on protein function has been reported. The following publication have been ascertained in the context of this evaluation (PMID: 17079357). No submitters have cited clinical-significance assessments for this variant to ClinVar. Based on the evidence outlined above, the variant was classified as uncertain significance.

Literature cited by the submitters: PubMed 17079357.

NM_000410.4(HFE):c.814G>C (p.Val272Leu)

Gene: HFE (homeostatic iron regulator; plus strand). Cytogenetic location: 6p22.2.
Variant type: single nucleotide variant.
Coding change: c.814G>C on transcript NM_000410.4 (MANE Select); coding-DNA position 814, G replaced by C.
Protein change: p.Val272Leu; replaces valine 272 with leucine.
Molecular consequence: missense variant. On other transcripts: intron variant (1).
Genome position (GRCh38, 1-based): chr6:26,092,882, G>C. VCF-style: chr6-26092882-G-C. GRCh37 (hg19) VCF-style: chr6-26093110-G-C.
Other names: c.550G>C, p.Val184Leu (NM_001406752.1, NM_139007.3); c.496G>C, p.Val166Leu (NM_139003.3); c.538G>C, p.Val180Leu (NM_139004.3); c.772G>C, p.Val258Leu (NM_139006.3); c.508G>C, p.Val170Leu (NM_139008.3); c.745G>C, p.Val249Leu (NM_139009.3); c.274G>C, p.Val92Leu (NM_139010.3); c.77-237G>C (NM_139011.3); and 2 more; short protein forms V166L, V170L, V180L, V184L, V249L, V258L, V269L, V272L.
Identifiers: ClinVar variation 4535733 (VCV004535733.1).